The following is an entry in ClinVar:

ClinVar aggregate classification (germline): Likely benign. Review status: criteria provided, multiple submitters, no conflicts (2 of 4 stars). 8 submissions from 8 submitters: Likely benign (5). 3 of the submissions do not count toward it. Last evaluated 2026-05-01.

Conditions:
Left ventricular noncompaction 7 (LVNC7). Identifiers: Orphanet 54260, MedGen C3554496, MONDO:0014042, OMIM 615092.
MIB1-related disorder. Also called: MIB1-related condition.
Inborn genetic diseases. Identifiers: MedGen C0950123, MeSH D030342.

Allele frequency attached by ClinVar (database versions not stated): gnomAD 0.00023; 1000 Genomes Project 30x 0.00062; 1000 Genomes Project 0.00080; gnomAD exomes 0.00005 and 0.00008; ExAC 0.00010; TOPMed 0.00022.
gnomAD v4.1: 129 of 1,610,360 alleles (0.008%); highest among the groups gnomAD compares: Middle Eastern, 0.14%; no homozygotes.

Submissions (8):

CeGaT Center for Human Genetics Tuebingen
Classification: Likely benign. Last evaluated: 2026-05-01. Review status: criteria provided, single submitter. Criteria: CeGaT Center For Human Genetics Tuebingen Variant Classification Criteria Version 2. Collection method: clinical testing. Allele origin: germline. Affected: yes. Observed: 1 variant allele.
Comment: MIB1: BP4, BP7

Ambry Genetics
Classification: Likely benign for Inborn genetic diseases. Last evaluated: 2022-03-12. Review status: criteria provided, single submitter. Criteria: Ambry Variant Classification Scheme 2023. Collection method: clinical testing. Allele origin: germline.

GeneDx
Classification: Likely benign. Last evaluated: 2020-12-31. Review status: criteria provided, single submitter. Criteria: GeneDx Variant Classification Process June 2021. Collection method: clinical testing. Allele origin: germline. Affected: yes.

Clinical Genetics DNA and cytogenetics Diagnostics Lab, Erasmus MC, Erasmus Medical Center
Classification: Likely benign for Left ventricular noncompaction 7. Last evaluated: 2017-06-28. Review status: criteria provided, single submitter. Criteria: ACGS Guidelines, 2013. Collection method: clinical testing. Allele origin: germline. Affected: yes. Study: VKGL Data-share Consensus.

Genome Diagnostics Laboratory, University Medical Center Utrecht
Classification: Likely benign for Left ventricular noncompaction 7. Last evaluated: 2016-12-08. Review status: criteria provided, single submitter. Criteria: ACGS Guidelines, 2013. Collection method: clinical testing. Allele origin: germline. Affected: yes. Study: VKGL Data-share Consensus.

PreventionGenetics, part of Exact Sciences
Classification: Likely benign for MIB1-related condition. Last evaluated: 2023-12-20. Review status: no assertion criteria provided. Collection method: clinical testing. Allele origin: germline. Not counted in ClinVar's aggregate classification.
Comment: This variant is classified as likely benign based on ACMG/AMP sequence variant interpretation guidelines (Richards et al. 2015 PMID: 25741868, with internal and published modifications).

Clinical Genetics, Academic Medical Center
Classification: Benign. Review status: no assertion criteria provided. Collection method: clinical testing. Allele origin: germline. Affected: yes. Study: VKGL Data-share Consensus. Not counted in ClinVar's aggregate classification.

Joint Genome Diagnostic Labs from Nijmegen and Maastricht, Radboudumc and MUMC+
Classification: Likely benign. Review status: no assertion criteria provided. Collection method: clinical testing. Allele origin: germline. Affected: yes. Study: VKGL Data-share Consensus. Not counted in ClinVar's aggregate classification.

NM_020774.4(MIB1):c.1470C>T (p.Val490=)

Gene: MIB1 (MIB E3 ubiquitin protein ligase 1; plus strand). Cytogenetic location: 18q11.2.
Variant type: single nucleotide variant.
Coding change: c.1470C>T on transcript NM_020774.4 (MANE Select); coding-DNA position 1470, C replaced by T.
Protein change: p.Val490=; no amino-acid change (valine 490 retained).
Molecular consequence: synonymous variant.
Genome position (GRCh38, 1-based): chr18:21,804,005, C>T. VCF-style: chr18-21804005-C-T. GRCh37 (hg19) VCF-style: chr18-19383966-C-T.
Identifiers: ClinVar variation 522210 (VCV000522210.14), dbSNP rs141701856, ClinGen allele CA8908285.